The following is an entry in ClinVar:

GRCh37/hg19 Xp22.31(chrX:6461437-7951069)x0

Genes: PNPLA4 (patatin like domain 4, phospholipase and triacylglycerol lipase; minus strand), PUDP (pseudouridine 5'-phosphatase; minus strand), STS (steroid sulfatase; plus strand), VCX (variable charge X-linked; plus strand). Cytogenetic location: Xp22.31.
Variant type: copy number loss.
Change: copy number 0 of chrX:6,461,437-7,951,069 (1.49 Mb, GRCh37 coordinates, 1-based), cytogenetic band Xp22.31.
Identifiers: ClinVar variation 4683017 (VCV004683017.1).

ClinVar aggregate classification (germline): Pathogenic (1 of 4 stars; one submission).

Submission:

Quest Diagnostics Nichols Institute San Juan Capistrano
Classification: Pathogenic. Last evaluated: 2024-07-31. Review status: criteria provided, single submitter. Criteria: ACMG/ClinGen CNV Guidelines, 2019. Collection method: clinical testing. Allele origin: unknown.
Comment: This copy number loss of Xp22.31 includes gene STS (OMIM 300747) and overlaps the Xp22.31 recurrent region. Haploinsufficiency of STS is associated with X-linked ichthyosis (XLI; OMIM 308100; CCID:007950; Gubb 2020, Kent 2008, Myers 2020). Neurodevelopmental disorders are often observed in deletions of the Xp22.31 recurrent region (Labonne 2020). There are no similar copy number losses of this region in the general populations of the Database of Genomic Variants. Thus, based on current medical literature and gene content, this copy number variant (CNV) is classified as pathogenic; however, presentation in females is likely dependent upon X-inactivation patterns. References: Fernandes et al., J Am Acad Dermatol. 2010 Mar;62(3):480-5. PMID: 20080321 Gubb et al., Hum Mol Genet. 2020 Oct 10;29(17):2872-2881. PMID: 32766777 Kent et al., J Med Genet. 2008 Aug;45(8):519-24. PMID: 18413370 Labonne et al., J Clin Med. 2020 Jan 19;9(1):274. PMID: 31963867 Myers et al., Pediatr Neurol. 2020 Jul;108:113-116. PMID: 32299744